The following is an entry in ClinVar:

ClinVar aggregate classification (germline): Uncertain significance. Review status: criteria provided, multiple submitters, no conflicts (2 of 4 stars). 2 submissions from 2 submitters: Uncertain significance (2). Last evaluated 2024-02-22.

Conditions:
Meckel syndrome, type 11 (MKS11). Identifiers: Orphanet 564, MedGen C3809352, MONDO:0014164, OMIM 615397.
Joubert syndrome 20 (JBTS20). Identifiers: Orphanet 475, MedGen C3554235, MONDO:0013994, OMIM 614970.

Allele frequency attached by ClinVar (database versions not stated): gnomAD 0.00001; gnomAD exomes 0.00001; TOPMed 0.00001.
gnomAD v4.1: 9 of 1,472,398 alleles (0.00061%); highest among the groups gnomAD compares: African/African-American, 0.0014%; no homozygotes.

Submissions (2):

Fulgent Genetics
Classification: Uncertain significance for Joubert syndrome 20; Meckel syndrome, type 11. Last evaluated: 2024-02-22. Review status: criteria provided, single submitter. Criteria: ACMG Guidelines, 2015. Collection method: clinical testing. Allele origin: germline.

Labcorp Genetics (formerly Invitae), Labcorp
Classification: Uncertain significance for Joubert syndrome 20; Meckel syndrome, type 11. Last evaluated: 2022-05-12. Review status: criteria provided, single submitter. Criteria: Invitae Variant Classification Sherloc (09022015). Collection method: clinical testing. Allele origin: germline.
Comment: In summary, the available evidence is currently insufficient to determine the role of this variant in disease. Therefore, it has been classified as a Variant of Uncertain Significance. This variant disrupts the p.Met25 amino acid residue in TMEM231. Other variant(s) that disrupt this residue have been determined to be pathogenic (PMID: 23012439). This suggests that this residue is clinically significant, and that variants that disrupt this residue are likely to be disease-causing. Algorithms developed to predict the effect of sequence changes on RNA splicing suggest that this variant may create or strengthen a splice site. Algorithms developed to predict the effect of missense changes on protein structure and function are either unavailable or do not agree on the potential impact of this missense change (SIFT: "Deleterious"; PolyPhen-2: "Not Available"; Align-GVGD: "Class C0"). ClinVar contains an entry for this variant (Variation ID: 646847). This variant has not been reported in the literature in individuals affected with TMEM231-related conditions. This variant is not present in population databases (gnomAD no frequency). This sequence change replaces methionine, which is neutral and non-polar, with valine, which is neutral and non-polar, at codon 25 of the TMEM231 protein (p.Met25Val).

Literature cited by the submitters: PubMed 23012439 (cited by Labcorp Genetics (formerly Invitae), Labcorp).

NM_001077418.3(TMEM231):c.11A>G (p.Tyr4Cys)

Gene: TMEM231 (transmembrane protein 231; minus strand). Cytogenetic location: 16q23.1.
Variant type: single nucleotide variant.
Coding change: c.11A>G on transcript NM_001077418.3 (MANE Select); coding-DNA position 11, A replaced by G.
Protein change: p.Tyr4Cys; replaces tyrosine 4 with cysteine.
Molecular consequence: missense variant. On other transcripts: non-coding transcript variant (1).
Genome position (GRCh38, 1-based): chr16:75,556,199, T>C on the plus strand (A>G on the coding strand, the complement: TMEM231 is on the minus strand). VCF-style: chr16-75556199-T-C. GRCh37 (hg19) VCF-style: chr16-75590097-T-C.
Other names: c.73A>G, p.Met25Val (NM_001077416.2); short protein forms M25V, Y4C.
Identifiers: ClinVar variation 646847 (VCV000646847.6), dbSNP rs1597051521, ClinGen allele CA396810739.